The following is an entry in ClinVar:

ClinVar aggregate classification (germline): Uncertain significance. Review status: criteria provided, multiple submitters, no conflicts (2 of 4 stars). 2 submissions from 2 submitters: Uncertain significance (2). Last evaluated 2022-06-13.

Conditions:
Autosomal recessive limb-girdle muscular dystrophy type 2U. Also called: MUSCULAR DYSTROPHY, LIMB-GIRDLE, TYPE 2U; Muscular dystrophy-dystroglycanopathy (limb-girdle), type c, 7. Identifiers: Orphanet 352479, MedGen C5190987, MONDO:0014474, OMIM 616052.
Muscular dystrophy-dystroglycanopathy (congenital with brain and eye anomalies), type A, 7. Also called: WALKER-WARBURG SYNDROME OR MUSCLE-EYE-BRAIN DISEASE, ISPD-RELATED; Congenital muscular dystrophy-dystroglycanopathy with brain and eye anomalies, type A7. Identifiers: Orphanet 899, MedGen C3553330, MONDO:0013835, OMIM 614643.

Allele frequency attached by ClinVar (database versions not stated): gnomAD exomes below 0.00001.
gnomAD v4.1: 1 of 1,613,974 alleles (0.000062%); highest among the groups gnomAD compares: Non-Finnish European, 0.000085%; no homozygotes.

Submissions (2):

Labcorp Genetics (formerly Invitae), Labcorp
Classification: Uncertain significance for Muscular dystrophy-dystroglycanopathy (congenital with brain and eye anomalies), type A, 7; Autosomal recessive limb-girdle muscular dystrophy type 2U. Last evaluated: 2022-06-13. Review status: criteria provided, single submitter. Criteria: Invitae Variant Classification Sherloc (09022015). Collection method: clinical testing. Allele origin: germline.
Comment: In summary, the available evidence is currently insufficient to determine the role of this variant in disease. Therefore, it has been classified as a Variant of Uncertain Significance. Algorithms developed to predict the effect of missense changes on protein structure and function (SIFT, PolyPhen-2, Align-GVGD) all suggest that this variant is likely to be tolerated. ClinVar contains an entry for this variant (Variation ID: 499306). This variant has not been reported in the literature in individuals affected with ISPD-related conditions. This variant is not present in population databases (gnomAD no frequency). This sequence change replaces isoleucine, which is neutral and non-polar, with asparagine, which is neutral and polar, at codon 142 of the ISPD protein (p.Ile142Asn).

Eurofins Ntd Llc (ga)
Classification: Uncertain significance. Last evaluated: 2017-01-04. Review status: criteria provided, single submitter. Criteria: EGL Classification Definitions 2015. Collection method: clinical testing. Allele origin: germline. Observed: 1 variant allele, 1 heterozygote.

NM_001101426.4(CRPPA):c.425T>A (p.Ile142Asn)

Gene: CRPPA (CDP-L-ribitol pyrophosphorylase A; minus strand). Cytogenetic location: 7p21.2.
Variant type: single nucleotide variant.
Coding change: c.425T>A on transcript NM_001101426.4 (MANE Select); coding-DNA position 425, T replaced by A.
Protein change: p.Ile142Asn; replaces isoleucine 142 with asparagine.
Molecular consequence: missense variant. On other transcripts: non-coding transcript variant (1).
Genome position (GRCh38, 1-based): chr7:16,406,170, A>T on the plus strand (T>A on the coding strand, the complement: CRPPA is on the minus strand). VCF-style: chr7-16406170-A-T. GRCh37 (hg19) VCF-style: chr7-16445795-A-T.
Other names: c.425T>A, p.Ile142Asn (NM_001101417.4, NM_001368197.1); short protein forms I142N.
Identifiers: ClinVar variation 499306 (VCV000499306.9), dbSNP rs1554363950, ClinGen allele CA367002433.